The following is an entry in ClinVar:

ClinVar aggregate classification (germline): Uncertain significance. Review status: criteria provided, multiple submitters, no conflicts (2 of 4 stars). 8 submissions from 8 submitters: Uncertain significance (7). 1 of the submissions does not count toward it. Last evaluated 2025-12-30.

Conditions:
Hereditary cancer-predisposing syndrome. Also called: Tumor predisposition; Hereditary neoplastic syndrome; Neoplastic Syndromes, Hereditary; Hereditary Cancer Syndrome. Identifiers: Orphanet 140162, MedGen C0027672, MeSH D009386, MONDO:0015356.
Neuroblastoma, susceptibility to, 3. Also called: ALK-Related Neuroblastic Tumor Susceptibility. Identifiers: Orphanet 635, MedGen C2751681, MONDO:0013083, OMIM 613014.

Allele frequency attached by ClinVar (database versions not stated): gnomAD 0.00001; TOPMed 0.00001; gnomAD exomes 0.00002 and 0.00003; ExAC 0.00004.
gnomAD v4.1: 26 of 1,613,804 alleles (0.0016%); highest among the groups gnomAD compares: Middle Eastern, 0.016%; no homozygotes.

Submissions (8):

Labcorp Genetics (formerly Invitae), Labcorp
Classification: Uncertain significance for Neuroblastoma, susceptibility to, 3. Last evaluated: 2025-12-30. Review status: criteria provided, single submitter. Criteria: Invitae Variant Classification Sherloc (09022015). Collection method: clinical testing. Allele origin: germline.
Comment: This sequence change replaces phenylalanine, which is neutral and non-polar, with leucine, which is neutral and non-polar, at codon 174 of the ALK protein (p.Phe174Leu). This variant is present in population databases (rs587778020, gnomAD 0.007%). This variant has not been reported in the literature in individuals affected with ALK-related conditions. ClinVar contains an entry for this variant (Variation ID: 133458). An algorithm developed to predict the effect of missense changes on protein structure and function (PolyPhen-2) suggests that this variant is likely to be disruptive. In summary, the available evidence is currently insufficient to determine the role of this variant in disease. Therefore, it has been classified as a Variant of Uncertain Significance.

Ambry Genetics
Classification: Uncertain significance for Hereditary cancer-predisposing syndrome. Last evaluated: 2024-12-31. Review status: criteria provided, single submitter. Criteria: Ambry Variant Classification Scheme 2023. Collection method: clinical testing. Allele origin: germline.
Comment: The p.F174L variant (also known as c.522C>A), located in coding exon 1 of the ALK gene, results from a C to A substitution at nucleotide position 522. The phenylalanine at codon 174 is replaced by leucine, an amino acid with highly similar properties. This amino acid position is well conserved in available vertebrate species. In addition, the in silico prediction for this alteration is inconclusive. Based on the available evidence, the clinical significance of this variant remains unclear.

Baylor Genetics
Classification: Uncertain significance for Neuroblastoma, susceptibility to, 3. Last evaluated: 2023-08-05. Review status: criteria provided, single submitter. Criteria: ACMG Guidelines, 2015. Collection method: clinical testing. Allele origin: unknown.

GeneDx
Classification: Uncertain significance. Last evaluated: 2023-03-27. Review status: criteria provided, single submitter. Criteria: GeneDx Variant Classification Process June 2021. Collection method: clinical testing. Allele origin: germline. Affected: yes.
Comment: In silico analysis supports that this missense variant does not alter protein structure/function; Identified in individuals with a history of early-onset colorectal cancer, as well as in healthy individuals undergoing whole genome sequencing (Bodian et al., 2014; Thutkawkorapin et al., 2019); This variant is associated with the following publications: (PMID: 30809968, 24728327, 31526103)

CeGaT Center for Human Genetics Tuebingen
Classification: Uncertain significance. Last evaluated: 2022-07-01. Review status: criteria provided, single submitter. Criteria: CeGaT Center For Human Genetics Tuebingen Variant Classification Criteria Version 2. Collection method: clinical testing. Allele origin: germline. Affected: yes. Observed: 1 variant allele.

Sema4
Classification: Uncertain significance for Hereditary cancer-predisposing syndrome. Last evaluated: 2021-12-13. Review status: criteria provided, single submitter. Criteria: Sema4 Curation Guidelines. Collection method: curation. Allele origin: germline.
Comment: To the best of our knowledge, the ALK c.522C>A (p.F174L) variant has not been reported in individuals with ALK-related disease. It was observed in 8/113212 chromosomes of the European (non-Finnish) subpopulation in the large and broad cohorts of the Genome Aggregation Database (PMID: 32461654). This variant has been reported in ClinVar (Variation ID: 133458). Functional studies have not been performed, and in silico predictions of the variant's effect on protein function are inconclusive. The evidence is insufficient to meet ACMG/AMP criteria for classifying the variant as benign or pathogenic. Thus, the clinical significance of this variant is currently uncertain.

Genetic Services Laboratory, University of Chicago
Classification: Uncertain significance. Last evaluated: 2021-12-08. Review status: criteria provided, single submitter. Criteria: ACMG Guidelines, 2015. Collection method: clinical testing. Allele origin: germline. Affected: no.
Comment: DNA sequence analysis of the ALK gene demonstrated a sequence change, c.522C>A, in exon 1 that results in an amino acid change, p.Phe174Leu. This sequence change has been described in the gnomAD database with a frequency of 0.007% in the non-Finnish European subpopulation (dbSNP rs587778020). The p.Phe174Leu change affects a poorly conserved amino acid residue located in a domain of the ALK protein that is not known to be functional. The p.Phe174Leu substitution appears to be benign using several in-silico pathogenicity prediction tools (SIFT, PolyPhen2, Align GVGD, REVEL). This sequence change does not appear to have been previously described in individuals with ALK-related disorders. Due to insufficient evidences and the lack of functional studies, the clinical significance of the p.Phe174Leu change remains unknown at this time.

ITMI
No classification provided. Condition: AllHighlyPenetrant. Last evaluated: 2013-09-19. Review status: no classification provided. Collection method: reference population. Allele origin: germline. Not counted in ClinVar's aggregate classification.
Comment: Please see associated publication for description of ethnicities

Literature cited by the submitters: PubMed 24728327 (cited by ITMI).

NM_004304.5(ALK):c.522C>A (p.Phe174Leu)

Gene: ALK (ALK receptor tyrosine kinase; minus strand). Cytogenetic location: 2p23.1.
Variant type: single nucleotide variant.
Coding change: c.522C>A on transcript NM_004304.5 (MANE Select); coding-DNA position 522, C replaced by A.
Protein change: p.Phe174Leu; replaces phenylalanine 174 with leucine.
Molecular consequence: missense variant.
Genome position (GRCh38, 1-based): chr2:29,920,138, G>T on the plus strand (C>A on the coding strand, the complement: ALK is on the minus strand). VCF-style: chr2-29920138-G-T. GRCh37 (hg19) VCF-style: chr2-30143004-G-T.
Other names: short protein forms F174L.
Identifiers: ClinVar variation 133458 (VCV000133458.42), dbSNP rs587778020, ClinGen allele CA156590.